The following is an entry in ClinVar:

ClinVar aggregate classification (germline): Likely benign. Review status: criteria provided, multiple submitters, no conflicts (2 of 4 stars). 4 submissions from 4 submitters: Likely benign (3). 1 of the submissions does not count toward it. Last evaluated 2025-12-17.

Conditions:
Tuberous sclerosis 2 (TSC2). Identifiers: Orphanet 805, MedGen C1860707, MONDO:0013199, OMIM 613254.
Tuberous sclerosis syndrome (TSC). Also called: Tuberous Sclerosis Complex; Tuberous sclerosis. Identifiers: Orphanet 805, MedGen C0041341, MONDO:0001734.

Allele frequency attached by ClinVar (database versions not stated): gnomAD exomes below 0.00001 and 0.00001; ExAC 0.00001; gnomAD 0.00002; TOPMed 0.00002.
gnomAD v4.1: 20 of 1,613,750 alleles (0.0012%); highest among the groups gnomAD compares: African/African-American, 0.0053%; no homozygotes.

Submissions (4):

Labcorp Genetics (formerly Invitae), Labcorp
Classification: Likely benign for Tuberous sclerosis 2. Last evaluated: 2025-12-17. Review status: criteria provided, single submitter. Criteria: Invitae Variant Classification Sherloc (09022015). Collection method: clinical testing. Allele origin: germline.

Myriad Genetics, Inc.
Classification: Likely benign for Tuberous sclerosis 2. Last evaluated: 2025-05-14. Review status: criteria provided, single submitter. Criteria: Myriad Autosomal Dominant, Autosomal Recessive and X-Linked Classification Criteria (2023). Collection method: clinical testing. Allele origin: unknown.
Comment: This variant is considered likely benign. This variant is intronic and is not expected to impact mRNA splicing.

GeneDx
Classification: Likely benign. Last evaluated: 2018-12-06. Review status: criteria provided, single submitter. Criteria: GeneDx Variant Classification Process June 2021. Collection method: clinical testing. Allele origin: germline. Affected: yes.

Tuberous sclerosis database (TSC2)
No classification provided. Condition: TSC. Review status: no classification provided. Criteria: Tuberous Sclerosis Database Assertion Criteria 2015. Collection method: curation. Allele origin: germline. Affected: yes. Not counted in ClinVar's aggregate classification.

NM_000548.5(TSC2):c.1444-13T>C

Gene: TSC2 (TSC complex subunit 2; plus strand). Cytogenetic location: 16p13.3.
Variant type: single nucleotide variant.
Coding change: c.1444-13T>C on transcript NM_000548.5 (MANE Select); 13 bases into the intron before coding-DNA position 1444, T replaced by C.
Molecular consequence: intron variant.
Genome position (GRCh38, 1-based): chr16:2,064,259, T>C. VCF-style: chr16-2064259-T-C. GRCh37 (hg19) VCF-style: chr16-2114260-T-C.
Other names: c.1444-13T>C (NM_001114382.3, NM_021055.3, NM_001370405.1 and 3 more transcripts); c.1333-13T>C (NM_001318827.2); c.844-13T>C (NM_001318831.2); c.1297-13T>C (NM_001318829.2); c.1477-13T>C (NM_001318832.2).
Identifiers: ClinVar variation 49744 (VCV000049744.11), dbSNP rs45447093, ClinGen allele CA014847.